The following is an entry in ClinVar:

ClinVar aggregate classification (germline): Uncertain significance (1 of 4 stars; one submission).

Conditions:
Primary ciliary dyskinesia. Also called: Ciliary dyskinesia. Identifiers: Orphanet 244, MedGen C0008780, MONDO:0016575, HP:0012265.

Allele frequency attached by ClinVar (database versions not stated): ExAC below 0.00001; TOPMed 0.00001.

Submission:

Labcorp Genetics (formerly Invitae), Labcorp
Classification: Uncertain significance for Primary ciliary dyskinesia. Last evaluated: 2017-05-06. Review status: criteria provided, single submitter. Criteria: Invitae Variant Classification Sherloc (09022015). Collection method: clinical testing. Allele origin: germline.
Comment: This sequence change replaces glutamic acid with lysine at codon 356 of the DNAAF2 protein (p.Glu356Lys). The glutamic acid residue is weakly conserved and there is a small physicochemical difference between glutamic acid and lysine. In summary, this variant is a novel missense change that is not predicted to affect protein function. There is no indication that it causes disease, but the available evidence is currently insufficient to prove that conclusively. Therefore, it has been classified as a Variant of Uncertain Significance. Algorithms developed to predict the effect of missense changes on protein structure and function (SIFT, PolyPhen-2, Align-GVGD) all suggest that this variant is likely to be tolerated, but these predictions have not been confirmed by published functional studies. The frequency data for this variant (rs577991424) in the population databases is unreliable, as metrics indicate poor quality at this position in the ExAC database. This variant has not been reported in the literature in individuals with a DNAAF2-related disease.

NM_018139.3(DNAAF2):c.1066G>A (p.Glu356Lys)

Gene: DNAAF2 (dynein axonemal assembly factor 2; minus strand). Cytogenetic location: 14q21.3.
Variant type: single nucleotide variant.
Coding change: c.1066G>A on transcript NM_018139.3 (MANE Select); coding-DNA position 1066, G replaced by A.
Protein change: p.Glu356Lys; replaces glutamic acid 356 with lysine.
Molecular consequence: missense variant.
Genome position (GRCh38, 1-based): chr14:49,634,084, C>T on the plus strand (G>A on the coding strand, the complement: DNAAF2 is on the minus strand). VCF-style: chr14-49634084-C-T. GRCh37 (hg19) VCF-style: chr14-50100802-C-T.
Other names: c.1066G>A, p.Glu356Lys (NM_001083908.2); short protein forms E356K.
Identifiers: ClinVar variation 454895 (VCV000454895.9), dbSNP rs577991424, ClinGen allele CA7172967.